The following is an entry in ClinVar:

ClinVar aggregate classification (germline): Uncertain significance (1 of 4 stars; one submission).

Conditions:
Inborn genetic diseases. Identifiers: MedGen C0950123, MeSH D030342.

Submission:

Ambry Genetics
Classification: Uncertain significance for Inborn genetic diseases. Last evaluated: 2026-03-20. Review status: criteria provided, single submitter. Criteria: Ambry Variant Classification Scheme 2023. Collection method: clinical testing. Allele origin: germline.
Comment: The p.V751A variant (also known as c.2252T>C), located in coding exon 24 of the RTEL1 gene, results from a T to C substitution at nucleotide position 2252. The valine at codon 751 is replaced by alanine, an amino acid with similar properties. This amino acid position is conserved. In addition, this alteration is predicted to be tolerated by in silico analysis. Based on the available evidence, the clinical significance of this variant remains unclear.

NM_001283009.2(RTEL1):c.2252T>C (p.Val751Ala)

Genes: RTEL1 (regulator of telomere elongation helicase 1; plus strand), RTEL1-TNFRSF6B (RTEL1-TNFRSF6B readthrough (NMD candidate); plus strand). Cytogenetic location: 20q13.33.
Variant type: single nucleotide variant.
Coding change: c.2252T>C on transcript NM_001283009.2 (MANE Select); coding-DNA position 2252, T replaced by C.
Protein change: p.Val751Ala; replaces valine 751 with alanine.
Molecular consequence: missense variant. On other transcripts: non-coding transcript variant (1).
Genome position (GRCh38, 1-based): chr20:63,690,197, T>C. VCF-style: chr20-63690197-T-C. GRCh37 (hg19) VCF-style: chr20-62321550-T-C.
Other names: c.1583T>C, p.Val528Ala (NM_001283010.1); c.2252T>C, p.Val751Ala (NM_016434.4); c.2324T>C, p.Val775Ala (NM_032957.5); short protein forms V528A, V751A, V775A.
Identifiers: ClinVar variation 4863518 (VCV004863518.1).